The following is an entry in ClinVar:

ClinVar aggregate classification (germline): Uncertain significance. Review status: criteria provided, multiple submitters, no conflicts (2 of 4 stars). 2 submissions from 2 submitters: Uncertain significance (2). Last evaluated 2022-07-03.

Conditions:
Congenital myasthenic syndrome 8. Also called: MYASTHENIC SYNDROME, CONGENITAL, DUE TO AGRIN DEFICIENCY; Myasthenic syndrome, congenital, 8, with pre- and postsynaptic defects. Identifiers: Orphanet 590, MedGen C3808739, MONDO:0014052, OMIM 615120.

Submissions (2):

Labcorp Genetics (formerly Invitae), Labcorp
Classification: Uncertain significance for Congenital myasthenic syndrome 8. Last evaluated: 2022-07-03. Review status: criteria provided, single submitter. Criteria: Invitae Variant Classification Sherloc (09022015). Collection method: clinical testing. Allele origin: germline.
Comment: In summary, the available evidence is currently insufficient to determine the role of this variant in disease. Therefore, it has been classified as a Variant of Uncertain Significance. Algorithms developed to predict the effect of missense changes on protein structure and function are either unavailable or do not agree on the potential impact of this missense change (SIFT: "Tolerated"; PolyPhen-2: "Probably Damaging"; Align-GVGD: "Class C0"). This variant has not been reported in the literature in individuals affected with AGRN-related conditions. This variant is not present in population databases (gnomAD no frequency). This sequence change replaces arginine, which is basic and polar, with glycine, which is neutral and non-polar, at codon 1671 of the AGRN protein (p.Arg1671Gly).

Blueprint Genetics
Classification: Uncertain significance. Last evaluated: 2019-09-11. Review status: criteria provided, single submitter. Criteria: ACMG Guidelines, 2015. Collection method: clinical testing. Allele origin: germline.

NM_198576.4(AGRN):c.5011C>G (p.Arg1671Gly)

Gene: AGRN (agrin; plus strand). Cytogenetic location: 1p36.33.
Variant type: single nucleotide variant.
Coding change: c.5011C>G on transcript NM_198576.4 (MANE Select); coding-DNA position 5011, C replaced by G.
Protein change: p.Arg1671Gly; replaces arginine 1671 with glycine.
Molecular consequence: missense variant.
Genome position (GRCh38, 1-based): chr1:1,050,461, C>G. VCF-style: chr1-1050461-C-G. GRCh37 (hg19) VCF-style: chr1-985841-C-G.
Other names: c.5011C>G, p.Arg1671Gly (NM_001305275.2); c.4696C>G, p.Arg1566Gly (NM_001364727.2); short protein forms R1566G, R1671G.
Identifiers: ClinVar variation 1955114 (VCV001955114.6), dbSNP rs745827541, ClinGen allele CA337779919.